The following is an entry in ClinVar:

ClinVar aggregate classification (germline): Uncertain significance. Review status: criteria provided, multiple submitters, no conflicts (2 of 4 stars). 2 submissions from 2 submitters: Uncertain significance (2). Last evaluated 2024-09-02.

Conditions:
Birt-Hogg-Dube syndrome 1 (BHD1). Also called: FIBROFOLLICULOMAS WITH TRICHODISCOMAS AND ACROCHORDONS. Identifiers: Orphanet 122, MedGen CN375946, MONDO:0800445, OMIM 135150.
Colorectal cancer. Also called: Colorectal cancer, somatic; Malignant Colorectal Neoplasm. Identifiers: MedGen C0346629, MONDO:0005575, OMIM 114500.
Familial spontaneous pneumothorax (PSP). Identifiers: Orphanet 2903, MedGen C1868193, MONDO:0008259, OMIM 173600.
Nonpapillary renal cell carcinoma. Identifiers: Orphanet 422526, MedGen CN074294, MONDO:0007763, OMIM 144700.
Hereditary cancer-predisposing syndrome. Also called: Tumor predisposition; Neoplastic Syndromes, Hereditary; Hereditary Cancer Syndrome; Hereditary neoplastic syndrome. Identifiers: Orphanet 140162, MedGen C0027672, MeSH D009386, MONDO:0015356.

Submissions (2):

Ambry Genetics
Classification: Uncertain significance for Hereditary cancer-predisposing syndrome. Last evaluated: 2024-09-02. Review status: criteria provided, single submitter. Criteria: Ambry Variant Classification Scheme 2023. Collection method: clinical testing. Allele origin: germline.
Comment: The p.L565H variant (also known as c.1694T>A), located in coding exon 11 of the FLCN gene, results from a T to A substitution at nucleotide position 1694. The leucine at codon 565 is replaced by histidine, an amino acid with similar properties. This amino acid position is conserved. In addition, this alteration is predicted to be deleterious by in silico analysis. Based on the available evidence, the clinical significance of this variant remains unclear.

Fulgent Genetics
Classification: Uncertain significance for Colorectal cancer; Birt-Hogg-Dube syndrome 1; Nonpapillary renal cell carcinoma; Familial spontaneous pneumothorax. Last evaluated: 2024-04-22. Review status: criteria provided, single submitter. Criteria: ACMG Guidelines, 2015. Collection method: clinical testing. Allele origin: germline.

NM_144997.7(FLCN):c.1694T>A (p.Leu565His)

Gene: FLCN (folliculin; minus strand). Cytogenetic location: 17p11.2.
Variant type: single nucleotide variant.
Coding change: c.1694T>A on transcript NM_144997.7 (MANE Select); coding-DNA position 1694, T replaced by A.
Protein change: p.Leu565His; replaces leucine 565 with histidine.
Molecular consequence: missense variant.
Genome position (GRCh38, 1-based): chr17:17,213,701, A>T on the plus strand (T>A on the coding strand, the complement: FLCN is on the minus strand). VCF-style: chr17-17213701-A-T. GRCh37 (hg19) VCF-style: chr17-17117015-A-T.
Other names: c.1748T>A, p.Leu583His (NM_001353229.2); c.1694T>A, p.Leu565His (NM_001353230.2, NM_001353231.2); short protein forms L565H, L583H.
Identifiers: ClinVar variation 3515643 (VCV003515643.2).